The following is an entry in ClinVar:

NM_013275.6(ANKRD11):c.6095C>T (p.Pro2032Leu)

Gene: ANKRD11 (ankyrin repeat domain 11; minus strand). Cytogenetic location: 16q24.3.
Variant type: single nucleotide variant.
Coding change: c.6095C>T on transcript NM_013275.6 (MANE Select); coding-DNA position 6095, C replaced by T.
Protein change: p.Pro2032Leu; replaces proline 2032 with leucine.
Molecular consequence: missense variant.
Genome position (GRCh38, 1-based): chr16:89,280,447, G>A on the plus strand (C>T on the coding strand, the complement: ANKRD11 is on the minus strand). VCF-style: chr16-89280447-G-A. GRCh37 (hg19) VCF-style: chr16-89346855-G-A.
Other names: c.6095C>T (NM_013275.4); c.6095C>T, p.Pro2032Leu (NM_001256182.2, NM_001256183.2); short protein forms P2032L.
Identifiers: ClinVar variation 975173 (VCV000975173.28), dbSNP rs746355740, ClinGen allele CA8241592.

ClinVar aggregate classification (germline): Conflicting classifications of pathogenicity. Review status: criteria provided, conflicting classifications (1 of 4 stars). 5 submissions from 5 submitters: Uncertain significance (1); Likely benign (3). 1 of the submissions does not count toward it. Last evaluated 2025-06-09.

Conditions:
KBG syndrome (KBGS). Also called: ANKRD11-Related KBG Syndrome. Identifiers: Orphanet 2332, MedGen C0220687, MONDO:0007846, OMIM 148050.
Inborn genetic diseases. Identifiers: MedGen C0950123, MeSH D030342.
Intellectual disability. Also called: Intellectual developmental disorder; intellectual disabilities; Intellectual functioning disability. Identifiers: MedGen C3714756, MeSH D008607, MONDO:0001071, HP:0001249.

Allele frequency attached by ClinVar (database versions not stated): gnomAD 0.00005 and 0.00006; TOPMed 0.00008.
gnomAD v4.1: 45 of 1,586,582 alleles (0.0028%); highest among the groups gnomAD compares: Middle Eastern, 0.035%; no homozygotes.

Submissions (5):

Ambry Genetics
Classification: Likely benign for Inborn genetic diseases. Last evaluated: 2025-06-09. Review status: criteria provided, single submitter. Criteria: Ambry Variant Classification Scheme 2023. Collection method: clinical testing. Allele origin: germline.

Laboratory of Genetics, Children's Clinical University Hospital Latvia
Classification: Likely benign. Last evaluated: 2025-02-16. Review status: criteria provided, single submitter. Criteria: ACMG Guidelines, 2015. Collection method: clinical testing. Allele origin: germline. Affected: yes.

Labcorp Genetics (formerly Invitae), Labcorp
Classification: Uncertain significance for KBG syndrome. Last evaluated: 2024-07-11. Review status: criteria provided, single submitter. Criteria: Invitae Variant Classification Sherloc (09022015). Collection method: clinical testing. Allele origin: germline.
Comment: This sequence change replaces proline, which is neutral and non-polar, with leucine, which is neutral and non-polar, at codon 2032 of the ANKRD11 protein (p.Pro2032Leu). This variant is present in population databases (rs746355740, gnomAD 0.008%). This variant has not been reported in the literature in individuals affected with ANKRD11-related conditions. ClinVar contains an entry for this variant (Variation ID: 975173). Advanced modeling of protein sequence and biophysical properties (such as structural, functional, and spatial information, amino acid conservation, physicochemical variation, residue mobility, and thermodynamic stability) performed at Invitae indicates that this missense variant is not expected to disrupt ANKRD11 protein function with a negative predictive value of 95%. In summary, the available evidence is currently insufficient to determine the role of this variant in disease. Therefore, it has been classified as a Variant of Uncertain Significance.

CeGaT Center for Human Genetics Tuebingen
Classification: Likely benign. Last evaluated: 2024-01-01. Review status: criteria provided, single submitter. Criteria: CeGaT Center For Human Genetics Tuebingen Variant Classification Criteria Version 2. Collection method: clinical testing. Allele origin: germline. Affected: yes. Observed: 2 variant alleles.
Comment: ANKRD11: BP4, BS2

Centre de Biologie Pathologie Génétique, Centre Hospitalier Universitaire de Lille
Classification: Likely benign for Intellectual disability. Last evaluated: 2019-01-01. Review status: no assertion criteria provided. Collection method: clinical testing. Allele origin: inherited. Affected: yes. Not counted in ClinVar's aggregate classification.